The following is an entry in ClinVar:

ClinVar aggregate classification (germline): Uncertain significance. Review status: criteria provided, multiple submitters, no conflicts (2 of 4 stars). 2 submissions from 2 submitters: Uncertain significance (2). Last evaluated 2019-07-10.

Conditions:
Familial thoracic aortic aneurysm and aortic dissection (TAAD). Also called: Thoracic aortic aneurysms and dissections. Identifiers: Orphanet 91387, MedGen C4707243, MONDO:0019625.
Aortic aneurysm, familial thoracic 7 (AAT7). Also called: AORTIC DISSECTION, FAMILIAL, WITH OR WITHOUT AORTIC ANEURYSM. Identifiers: MedGen C3151077, MONDO:0013418, OMIM 613780.

Allele frequency attached by ClinVar (database versions not stated): gnomAD exomes below 0.00001.
gnomAD v4.1: 2 of 1,613,392 alleles (0.00012%); highest among the groups gnomAD compares: East Asian, 0.0045%; no homozygotes.

Submissions (2):

Ambry Genetics
Classification: Uncertain significance for Familial thoracic aortic aneurysm and aortic dissection. Last evaluated: 2019-07-10. Review status: criteria provided, single submitter. Criteria: Ambry Variant Classification Scheme 2023. Collection method: clinical testing. Allele origin: germline.
Comment: The p.P60L variant (also known as c.179C>T), located in coding exon 2 of the MYLK gene, results from a C to T substitution at nucleotide position 179. The proline at codon 60 is replaced by leucine, an amino acid with similar properties. This amino acid position is highly conserved in available vertebrate species. In addition, the in silico prediction for this alteration is inconclusive. Since supporting evidence is limited at this time, the clinical significance of this alteration remains unclear.

Labcorp Genetics (formerly Invitae), Labcorp
Classification: Uncertain significance for Aortic aneurysm, familial thoracic 7. Last evaluated: 2016-04-01. Review status: criteria provided, single submitter. Criteria: Invitae Variant Classification Sherloc (09022015). Collection method: clinical testing. Allele origin: germline.
Comment: Algorithms developed to predict the effect of missense changes on protein structure and function do not agree on the potential impact of this missense change (SIFT: "Deleterious"; PolyPhen-2: "Benign"; Align-GVGD: "Class C65"). This variant is not present in population databases (ExAC no frequency) and has not been reported in the literature in individuals with a MYLK-related disease. This sequence change replaces proline with leucine at codon 60 of the MYLK protein (p.Pro60Leu). The proline residue is highly conserved and there is a moderate physicochemical difference between proline and leucine. In summary, this variant is a novel missense change with uncertain impact on protein function. It has been classified as a Variant of Uncertain Significance.

NM_053025.4(MYLK):c.179C>T (p.Pro60Leu)

Gene: MYLK (myosin light chain kinase; minus strand). Cytogenetic location: 3q21.1.
Variant type: single nucleotide variant.
Coding change: c.179C>T on transcript NM_053025.4 (MANE Select); coding-DNA position 179, C replaced by T.
Protein change: p.Pro60Leu; replaces proline 60 with leucine.
Molecular consequence: missense variant. On other transcripts: intron variant (1).
Genome position (GRCh38, 1-based): chr3:123,752,525, G>A on the plus strand (C>T on the coding strand, the complement: MYLK is on the minus strand). VCF-style: chr3-123752525-G-A. GRCh37 (hg19) VCF-style: chr3-123471372-G-A.
Other names: c.179C>T, p.Pro60Leu (NM_053026.4, NM_053027.4, NM_053028.4); c.-155-12524C>T (NM_001321309.2); short protein forms P60L.
Identifiers: ClinVar variation 409689 (VCV000409689.10), dbSNP rs1060502532, ClinGen allele CA16611126.
Genomic context (GRCh38, chr3:123,752,525, plus strand): 5'-AGGAAGCGGCCCCCGCTGGTGATGGGTTGCCCGTTTCTGTGCCATGTCACCTGGGGCTCT[G>A]GGTAACCCCGGACCTTCAAGAAAAAGAAGAAAGGGTAAGAGCCTGTATTTCATGAGTACT-3'
Protein context (NP_444253.3, residues 50-70): AKFEGRVRGY[Pro60Leu]EPQVTWHRNG